The following is an entry in ClinVar:

NM_001111.5(ADAR):c.1602-3A>G

Gene: ADAR (adenosine deaminase RNA specific; minus strand). Cytogenetic location: 1q21.3.
Variant type: single nucleotide variant.
Coding change: c.1602-3A>G on transcript NM_001111.5 (MANE Select); 3 bases into the intron before coding-DNA position 1602, A replaced by G.
Molecular consequence: intron variant.
Genome position (GRCh38, 1-based): chr1:154,598,588, T>C on the plus strand (A>G on the coding strand, the complement: ADAR is on the minus strand). VCF-style: chr1-154598588-T-C. GRCh37 (hg19) VCF-style: chr1-154571064-T-C.
Other names: c.717-3A>G (NM_001365046.1, NM_001025107.3, NM_001365048.1 and 3 more transcripts); c.1629-3A>G (NM_001365045.1); c.1602-3A>G (NM_015841.4, NM_015840.4).
Identifiers: ClinVar variation 3757702 (VCV003757702.2).
Genomic context (GRCh38, chr1:154,598,588, plus strand): 5'-GCTTCCAGCTTCAGCTGGGGGAAACTCTCGGCCATTGATGACAACCTGGAATTTAAATCT[T>C]GACGGAAAGTGATTAGATGTGTGAACAGGAGTCTAGGTCACTCCTTCTGCCTTCTCCAAA-3'

ClinVar aggregate classification (germline): Uncertain significance (1 of 4 stars; one submission).

Conditions:
Symmetrical dyschromatosis of extremities (DSH). Also called: DYSCHROMATOSIS SYMMETRICA HEREDITARIA 1; RETICULATE ACROPIGMENTATION OF DOHI; SYMMETRIC DYSCHROMATOSIS OF THE EXTREMITIES; Dyschromatosis symmetrica hereditaria. Identifiers: Orphanet 41, MedGen C0406775, MONDO:0007483, OMIM 127400.
Aicardi-Goutieres syndrome 6 (AGS6). Identifiers: Orphanet 51, MedGen C3539013, MONDO:0014007, OMIM 615010.

Submission:

Labcorp Genetics (formerly Invitae), Labcorp
Classification: Uncertain significance for Aicardi-Goutieres syndrome 6; Symmetrical dyschromatosis of extremities. Last evaluated: 2024-08-15. Review status: criteria provided, single submitter. Criteria: Invitae Variant Classification Sherloc (09022015). Collection method: clinical testing. Allele origin: germline.
Comment: This sequence change falls in intron 2 of the ADAR gene. It does not directly change the encoded amino acid sequence of the ADAR protein. It affects a nucleotide within the consensus splice site. This variant is not present in population databases (gnomAD no frequency). This variant has not been reported in the literature in individuals affected with ADAR-related conditions. Variants that disrupt the consensus splice site are a relatively common cause of aberrant splicing (PMID: 17576681, 9536098). Algorithms developed to predict the effect of sequence changes on RNA splicing suggest that this variant may disrupt the consensus splice site. In summary, the available evidence is currently insufficient to determine the role of this variant in disease. Therefore, it has been classified as a Variant of Uncertain Significance.

Literature cited by the submitters: PubMed 17576681; PubMed 9536098.